The following is an entry in ClinVar:

ClinVar aggregate classification (germline): Uncertain significance. Review status: criteria provided, multiple submitters, no conflicts (2 of 4 stars). 3 submissions from 3 submitters: Uncertain significance (3). Last evaluated 2026-01-20.

Conditions:
Inborn genetic diseases. Identifiers: MedGen C0950123, MeSH D030342.

gnomAD v4.1: 10 of 1,614,094 alleles (0.00062%); highest among the groups gnomAD compares: South Asian, 0.0088%; no homozygotes.

Submissions (3):

Ambry Genetics
Classification: Uncertain significance for Inborn genetic diseases. Last evaluated: 2026-01-20. Review status: criteria provided, single submitter. Criteria: Ambry Variant Classification Scheme 2023. Collection method: clinical testing. Allele origin: germline.
Comment: The c.1235T>A (p.V412D) alteration is located in exon 8 (coding exon 7) of the WFS1 gene. This alteration results from a T to A substitution at nucleotide position 1235, causing the valine (V) at amino acid position 412 to be replaced by an aspartic acid (D). Based on data from gnomAD, the A allele has an overall frequency of 0.002% (4/251480) total alleles studied. The highest observed frequency was 0.013% (4/30616) of South Asian alleles. Based on insufficient or conflicting evidence, the clinical significance of this alteration remains unclear.

Labcorp Genetics (formerly Invitae), Labcorp
Classification: Uncertain significance. Last evaluated: 2023-06-01. Review status: criteria provided, single submitter. Criteria: Invitae Variant Classification Sherloc (09022015). Collection method: clinical testing. Allele origin: germline.
Comment: In summary, the available evidence is currently insufficient to determine the role of this variant in disease. Therefore, it has been classified as a Variant of Uncertain Significance. Advanced modeling of protein sequence and biophysical properties (such as structural, functional, and spatial information, amino acid conservation, physicochemical variation, residue mobility, and thermodynamic stability) has been performed at Invitae for this missense variant, however the output from this modeling did not meet the statistical confidence thresholds required to predict the impact of this variant on WFS1 protein function. ClinVar contains an entry for this variant (Variation ID: 1317197). This variant has not been reported in the literature in individuals affected with WFS1-related conditions. This variant is present in population databases (rs144951440, gnomAD 0.01%). This sequence change replaces valine, which is neutral and non-polar, with aspartic acid, which is acidic and polar, at codon 412 of the WFS1 protein (p.Val412Asp).

GeneDx
Classification: Uncertain significance. Last evaluated: 2019-06-05. Review status: criteria provided, single submitter. Criteria: GeneDx Variant Classification Process June 2021. Collection method: clinical testing. Allele origin: germline. Affected: yes.
Comment: Not observed at a significant frequency in large population cohorts (Lek et al., 2016); In silico analysis, which includes protein predictors and evolutionary conservation, supports a deleterious effect; Has not been previously published as pathogenic or benign to our knowledge

Literature cited by the submitters: PubMed 23990876 (cited by Ambry Genetics).

NM_006005.3(WFS1):c.1235T>A (p.Val412Asp)

Gene: WFS1 (wolframin ER transmembrane glycoprotein; plus strand). Cytogenetic location: 4p16.1.
Variant type: single nucleotide variant.
Coding change: c.1235T>A on transcript NM_006005.3 (MANE Select); coding-DNA position 1235, T replaced by A.
Protein change: p.Val412Asp; replaces valine 412 with aspartic acid.
Molecular consequence: missense variant.
Genome position (GRCh38, 1-based): chr4:6,301,030, T>A. VCF-style: chr4-6301030-T-A. GRCh37 (hg19) VCF-style: chr4-6302757-T-A.
Other names: c.1235T>A, p.Val412Asp (NM_001145853.1); short protein forms V412D.
Identifiers: ClinVar variation 1317197 (VCV001317197.8), dbSNP rs144951440, ClinGen allele CA2839277.